The following is an entry in ClinVar:

NM_000540.3(RYR1):c.12787G>A (p.Glu4263Lys)

Gene: RYR1 (ryanodine receptor 1; plus strand). Cytogenetic location: 19q13.2.
Variant type: single nucleotide variant.
Coding change: c.12787G>A on transcript NM_000540.3 (MANE Select); coding-DNA position 12787, G replaced by A.
Protein change: p.Glu4263Lys; replaces glutamic acid 4263 with lysine.
Molecular consequence: missense variant.
Genome position (GRCh38, 1-based): chr19:38,565,121, G>A. VCF-style: chr19-38565121-G-A. GRCh37 (hg19) VCF-style: chr19-39055761-G-A.
Other names: c.12772G>A, p.Glu4258Lys (NM_001042723.2); short protein forms E4263K, E4258K.
Identifiers: ClinVar variation 861754 (VCV000861754.12), dbSNP rs1471120810, ClinGen allele CA405671155.

ClinVar aggregate classification (germline): Uncertain significance. Review status: criteria provided, multiple submitters, no conflicts (2 of 4 stars). 5 submissions from 5 submitters: Uncertain significance (5). Last evaluated 2026-04-22.

Conditions:
Inborn genetic diseases. Identifiers: MedGen C0950123, MeSH D030342.
Congenital myopathy with fiber type disproportion. Also called: Congenital fiber-type disproportion myopathy; Congenital fiber-type disproportion. Identifiers: Orphanet 2020, MedGen C0546264, MONDO:0009711. Inheritance: all.
Central core myopathy (CMYO1A). Also called: CONGENITAL MYOPATHY 1A, AUTOSOMAL DOMINANT, WITH SUSCEPTIBILITY TO MALIGNANT HYPERTHERMIA; Central core disease; Myopathy, central fibrillar. Identifiers: Orphanet 597, MedGen C5830701, MONDO:0007294, OMIM 117000.
King Denborough syndrome (KDS). Identifiers: MedGen C1840365, MONDO:0020485, OMIM 619542.
Malignant hyperthermia, susceptibility to, 1 (MHS1). Also called: Anesthesia related hyperthermia; Malignant hyperpyrexia; Fulminating hyperpyrexia; Pharmacogenic myopathy; RYR1-Related Malignant Hyperthermia Susceptibility; Malignant hyperthermia suceptibility 1. Identifiers: Orphanet 423, MedGen C2930980, MONDO:0007783, OMIM 145600.
Congenital multicore myopathy with external ophthalmoplegia (CMYO1B). Also called: MULTICORE MYOPATHY; Minicore myopathy with external ophthalmoplegia; MULTIMINICORE DISEASE WITH EXTERNAL OPHTHALMOPLEGIA; Congenital myopathy 1B, autosomal recessive; Minicore myopathy. Identifiers: Orphanet 598, Orphanet 98905, MedGen C1850674, MONDO:0009712, OMIM 255320, HP:0003789.
RYR1-related disorder. Also called: RYR1-related condition; RYR1-related disorders. Identifiers: MedGen CN239331.

Allele frequency attached by ClinVar (database versions not stated): TOPMed 0.00004.
gnomAD v4.1: 56 of 1,536,654 alleles (0.0036%); highest among the groups gnomAD compares: Admixed American, 0.0039%; no homozygotes.

Submissions (5):

PreventionGenetics, part of Exact Sciences
Classification: Uncertain significance for RYR1-related condition. Last evaluated: 2026-04-22. Review status: criteria provided, single submitter. Criteria: ACMG Guidelines, 2015. Collection method: clinical testing. Allele origin: germline.
Comment: The RYR1 c.12787G>A variant is predicted to result in the amino acid substitution p.Glu4263Lys. To our knowledge, this variant has not been reported in the literature. This variant is reported in 0.0029% of alleles in individuals of European (non-Finnish) descent in gnomAD. At this time, the clinical significance of this variant is uncertain due to the absence of conclusive functional and genetic evidence.

Labcorp Genetics (formerly Invitae), Labcorp
Classification: Uncertain significance for RYR1-related disorder. Last evaluated: 2025-01-21. Review status: criteria provided, single submitter. Criteria: Invitae Variant Classification Sherloc (09022015). Collection method: clinical testing. Allele origin: germline.
Comment: This sequence change replaces glutamic acid, which is acidic and polar, with lysine, which is basic and polar, at codon 4263 of the RYR1 protein (p.Glu4263Lys). The frequency data for this variant in the population databases is considered unreliable, as metrics indicate poor data quality at this position in the gnomAD database. This variant has not been reported in the literature in individuals affected with RYR1-related conditions. ClinVar contains an entry for this variant (Variation ID: 861754). Invitae Evidence Modeling of protein sequence and biophysical properties (such as structural, functional, and spatial information, amino acid conservation, physicochemical variation, residue mobility, and thermodynamic stability) indicates that this missense variant is not expected to disrupt RYR1 protein function with a negative predictive value of 80%. In summary, the available evidence is currently insufficient to determine the role of this variant in disease. Therefore, it has been classified as a Variant of Uncertain Significance.

GeneDx
Classification: Uncertain significance. Last evaluated: 2025-01-08. Review status: criteria provided, single submitter. Criteria: GeneDx Variant Classification Process June 2021. Collection method: clinical testing. Allele origin: germline. Affected: yes.
Comment: Not observed at significant frequency in large population cohorts (gnomAD); In silico analysis indicates that this missense variant does not alter protein structure/function; Has not been previously published as pathogenic or benign to our knowledge

Ambry Genetics
Classification: Uncertain significance for Inborn genetic diseases. Last evaluated: 2024-03-25. Review status: criteria provided, single submitter. Criteria: Ambry Variant Classification Scheme 2023. Collection method: clinical testing. Allele origin: germline.

Fulgent Genetics
Classification: Uncertain significance for Central core myopathy; Malignant hyperthermia, susceptibility to, 1; Congenital myopathy 4A, autosomal dominant; Congenital multicore myopathy with external ophthalmoplegia; King Denborough syndrome. Last evaluated: 2021-07-28. Review status: criteria provided, single submitter. Criteria: ACMG Guidelines, 2015. Collection method: clinical testing. Allele origin: unknown.